The following is an entry in ClinVar:

ClinVar aggregate classification (germline): Uncertain significance (1 of 4 stars; one submission).

gnomAD v4.1: 1 of 1,610,374 alleles (0.000062%); highest among the groups gnomAD compares: Admixed American, 0.0017%; no homozygotes.

Submission:

Labcorp Genetics (formerly Invitae), Labcorp
Classification: Uncertain significance. Last evaluated: 2025-01-20. Review status: criteria provided, single submitter. Criteria: Invitae Variant Classification Sherloc (09022015). Collection method: clinical testing. Allele origin: germline.
Comment: This sequence change replaces aspartic acid, which is acidic and polar, with glutamic acid, which is acidic and polar, at codon 52 of the RNF31 protein (p.Asp52Glu). This variant is not present in population databases (gnomAD no frequency). This variant has not been reported in the literature in individuals affected with RNF31-related conditions. ClinVar contains an entry for this variant (Variation ID: 2102690). An algorithm developed to predict the effect of missense changes on protein structure and function (PolyPhen-2) suggests that this variant is likely to be tolerated. In summary, the available evidence is currently insufficient to determine the role of this variant in disease. Therefore, it has been classified as a Variant of Uncertain Significance.

NM_017999.5(RNF31):c.156C>G (p.Asp52Glu)

Gene: RNF31 (ring finger protein 31; plus strand). Cytogenetic location: 14q12.
Variant type: single nucleotide variant.
Coding change: c.156C>G on transcript NM_017999.5 (MANE Select); coding-DNA position 156, C replaced by G.
Protein change: p.Asp52Glu; replaces aspartic acid 52 with glutamic acid.
Molecular consequence: missense variant. On other transcripts: intron variant (1).
Genome position (GRCh38, 1-based): chr14:24,147,854, C>G. VCF-style: chr14-24147854-C-G. GRCh37 (hg19) VCF-style: chr14-24617063-C-G.
Other names: c.-325-122C>G (NM_001310332.2); short protein forms D52E.
Identifiers: ClinVar variation 2102690 (VCV002102690.4), dbSNP rs2501989870, ClinGen allele CA389284516.